The following is an entry in ClinVar:

ClinVar aggregate classification (germline): Pathogenic/Likely pathogenic. Review status: criteria provided, multiple submitters, no conflicts (2 of 4 stars). 2 submissions from 2 submitters: Pathogenic (1); Likely pathogenic (1). Last evaluated 2025-07-31.

Conditions:
ABCB4-related disorder. Also called: ABCB4-related disorders; ABCB4-related condition.

Submissions (2):

PreventionGenetics, part of Exact Sciences
Classification: Likely pathogenic for ABCB4-related condition. Last evaluated: 2025-07-31. Review status: criteria provided, single submitter. Criteria: ACMG Guidelines, 2015. Collection method: clinical testing. Allele origin: germline.
Comment: The ABCB4 c.1635_1648delinsCCATTCAGG variant is predicted to result in a frameshift and premature protein termination (p.Ala546Hisfs*11). To our knowledge, this variant has not been reported in the literature or in a large population database (gnomAD), indicating this variant is rare. Frameshift variants in ABCB4 are expected to be pathogenic. This variant is interpreted as likely pathogenic.

Eurofins Ntd Llc (ga)
Classification: Pathogenic. Last evaluated: 2018-06-08. Review status: criteria provided, single submitter. Criteria: EGL ClinVar v180209 classification definitions. Collection method: clinical testing. Allele origin: germline. Observed: 1 variant allele, 1 heterozygote.

NM_000443.4(ABCB4):c.1635_1648delinsCCATTCAGG (p.Ala546fs)

Gene: ABCB4 (ATP binding cassette subfamily B member 4; minus strand). Cytogenetic location: 7q21.12.
Variant type: Indel.
Coding change: c.1635_1648delinsCCATTCAGG on transcript NM_000443.4 (MANE Select); coding-DNA positions 1635 to 1648, TGCCCTGGTTCGCA replaced by CCATTCAGG.
Protein change: p.Ala546fs; shifts the reading frame from alanine 546.
Molecular consequence: frameshift variant.
Genome position (GRCh38, 1-based): chr7:87,439,750-87,439,763, TGCGAACCAGGGCA replaced by CCTGAATGG on the plus strand (TGCCCTGGTTCGCA replaced by CCATTCAGG on the coding strand, the reverse complement: ABCB4 is on the minus strand). VCF-style: chr7-87439750-TGCGAACCAGGGCA-CCTGAATGG. GRCh37 (hg19) VCF-style: chr7-87069066-TGCGAACCAGGGCA-CCTGAATGG.
Other names: c.1635_1648delinsCCATTCAGG (NM_000443.3); c.1635_1648delinsCCATTCAGG, p.Ala546fs (NM_018849.3, NM_018850.3); short protein forms A546fs.
Identifiers: ClinVar variation 597519 (VCV000597519.6), dbSNP rs1562975541, ClinGen allele CA913189581.
Genomic context (GRCh38, chr7:87,439,750, plus strand): 5'-CAGCTTCACTTTCTGTGTCCAATGCTGACGTGGCCTCATCCAGCAGAAGGATCTTGGGGT[TGCGAACCAGGGCA>CCTGAATGG]CGTGCAATGGCGATCCTCTGCTTCTGCCCACCACTCAGCTGGGCCCCTCTCTCTCCAACC-3'